The following is an entry in ClinVar:

NM_001378454.1(ALMS1):c.256A>G (p.Arg86Gly)

Gene: ALMS1 (ALMS1 centrosome and basal body associated protein; plus strand). Cytogenetic location: 2p13.1.
Variant type: single nucleotide variant.
Coding change: c.256A>G on transcript NM_001378454.1 (MANE Select); coding-DNA position 256, A replaced by G.
Protein change: p.Arg86Gly; replaces arginine 86 with glycine.
Molecular consequence: missense variant.
Genome position (GRCh38, 1-based): chr2:73,386,124, A>G. VCF-style: chr2-73386124-A-G. GRCh37 (hg19) VCF-style: chr2-73613252-A-G.
Other names: c.259A>G, p.Arg87Gly (NM_015120.4); short protein forms R86G, R87G.
Identifiers: ClinVar variation 1945831 (VCV001945831.2), dbSNP rs771370849, ClinGen allele CA1712782.

ClinVar aggregate classification (germline): Uncertain significance (1 of 4 stars; one submission).

Conditions:
Alstrom syndrome (ALMS). Identifiers: Orphanet 64, MedGen C0268425, MONDO:0008763, OMIM 203800.

Allele frequency attached by ClinVar (database versions not stated): gnomAD exomes below 0.00001; TOPMed below 0.00001; gnomAD 0.00001; ExAC 0.00004.
gnomAD v4.1: 5 of 1,576,508 alleles (0.00032%); highest among the groups gnomAD compares: African/African-American, 0.0014%; no homozygotes.

Submission:

Labcorp Genetics (formerly Invitae), Labcorp
Classification: Uncertain significance for Alstrom syndrome. Last evaluated: 2022-05-13. Review status: criteria provided, single submitter. Criteria: Invitae Variant Classification Sherloc (09022015). Collection method: clinical testing. Allele origin: germline.
Comment: This sequence change replaces arginine, which is basic and polar, with glycine, which is neutral and non-polar, at codon 87 of the ALMS1 protein (p.Arg87Gly). The frequency data for this variant in the population databases is considered unreliable, as metrics indicate poor data quality at this position in the gnomAD database. This variant has not been reported in the literature in individuals affected with ALMS1-related conditions. Experimental studies and prediction algorithms are not available or were not evaluated, and the functional significance of this variant is currently unknown. In summary, the available evidence is currently insufficient to determine the role of this variant in disease. Therefore, it has been classified as a Variant of Uncertain Significance.